The following is an entry in ClinVar:

NM_000133.4(F9):c.1143_1144del (p.Cys382fs)

Gene: F9 (coagulation factor IX; plus strand). Cytogenetic location: Xq27.1.
Variant type: Deletion.
Coding change: c.1143_1144del on transcript NM_000133.4 (MANE Select); coding-DNA positions 1143 to 1144, 2 bases deleted (AT; older notation c.1143_1144delAT).
Protein change: p.Cys382fs; shifts the reading frame from cysteine 382.
Molecular consequence: frameshift variant.
Genome position (GRCh38, 1-based): chrX:139,561,828-139,561,829, AT deleted. VCF-style (leftmost placement, unchanged base first): chrX-139561827-CAT-C. GRCh37 (hg19) VCF-style: chrX-138643986-CAT-C.
Other names: c.1143_1144delAT (NM_000133.4); c.1029_1030del, p.Cys344fs (NM_001313913.2); short protein forms C344fs, C382fs.
Identifiers: ClinVar variation 3902210 (VCV003902210.1).

ClinVar aggregate classification (germline): Pathogenic (1 of 4 stars; one submission).

Conditions:
Hereditary factor IX deficiency disease (HEMB). Also called: F9 DEFICIENCY; FACTOR IX DEFICIENCY; PLASMA THROMBOPLASTIN COMPONENT DEFICIENCY; Hemophilia B; Christmas Disease. Identifiers: Orphanet 98879, MedGen C0008533, MeSH D002836, MONDO:0010604, OMIM 306900.

Submission:

Women's Health and Genetics/Laboratory Corporation of America, LabCorp
Classification: Pathogenic for Hereditary factor IX deficiency disease. Last evaluated: 2025-05-14. Review status: criteria provided, single submitter. Criteria: LabCorp Variant Classification Summary - May 2015. Collection method: clinical testing. Allele origin: germline.
Comment: Variant summary: F9 c.1143_1144delAT (p.Cys382SerfsX10) results in a premature termination codon, predicted to cause a truncation of the encoded protein or absence of the protein due to nonsense mediated decay, which are commonly known mechanisms for disease. The variant was absent in 183288 control chromosomes. c.1143_1144delAT has been observed in at least 1 individual(s) in a cohort of families undergoing carrier/prenatal testing for clinical features of Factor IX Deficiency (Hemophilia B) (example, Dai_2011). These report(s) do not provide unequivocal conclusions about association of the variant with Factor IX Deficiency (Hemophilia B). To our knowledge, no experimental evidence demonstrating an impact on protein function has been reported. A downstream variant p.Ile443Thr has been classified as Pathogenic at Labcorp, suggesting that loss of this region of the protein is deleterious. The following publication has been ascertained in the context of this evaluation (PMID: 21910785). No submitters have cited clinical-significance assessments for this variant to ClinVar. Based on the evidence outlined above, the variant was classified as pathogenic.

Literature cited by the submitters: PubMed 21910785.